The following is an entry in ClinVar:

NM_004360.5(CDH1):c.1735G>A (p.Gly579Arg)

Gene: CDH1 (cadherin 1; plus strand). Cytogenetic location: 16q22.1.
Variant type: single nucleotide variant.
Coding change: c.1735G>A on transcript NM_004360.5 (MANE Select); coding-DNA position 1735, G replaced by A.
Protein change: p.Gly579Arg; replaces glycine 579 with arginine.
Molecular consequence: missense variant. On other transcripts: 5 prime UTR variant (1).
Genome position (GRCh38, 1-based): chr16:68,822,024, G>A. VCF-style: chr16-68822024-G-A. GRCh37 (hg19) VCF-style: chr16-68855927-G-A.
Other names: c.1552G>A, p.Gly518Arg (NM_001317184.2); c.187G>A, p.Gly63Arg (NM_001317185.2); c.-231G>A (NM_001317186.2); short protein forms G63R, G518R, G579R.
Identifiers: ClinVar variation 5033885 (VCV005033885.1).

ClinVar aggregate classification (germline): Uncertain significance (1 of 4 stars; one submission).

Conditions:
Hereditary cancer-predisposing syndrome. Also called: Neoplastic Syndromes, Hereditary; Tumor predisposition; Hereditary neoplastic syndrome; Hereditary Cancer Syndrome. Identifiers: Orphanet 140162, MedGen C0027672, MeSH D009386, MONDO:0015356.

Submission:

Ambry Genetics
Classification: Uncertain significance for Hereditary cancer-predisposing syndrome. Last evaluated: 2026-07-02. Review status: criteria provided, single submitter. Criteria: Ambry Variant Classification Scheme 2023. Collection method: clinical testing. Allele origin: germline.
Comment: The p.G579R variant (also known as c.1735G>A), located in coding exon 12 of the CDH1 gene, results from a G to A substitution at nucleotide position 1735. The glycine at codon 579 is replaced by arginine, an amino acid with dissimilar properties. This amino acid position is conserved. In addition, this alteration is predicted to be deleterious by in silico analysis. Based on the available evidence, the clinical significance of this variant remains unclear.